The following is an entry in ClinVar:

ClinVar aggregate classification (germline): Conflicting classifications of pathogenicity. Review status: criteria provided, conflicting classifications (1 of 4 stars). 2 submissions from 2 submitters: Uncertain significance (1); Likely benign (1). Last evaluated 2026-01-29.

Conditions:
Citrullinemia. Identifiers: Orphanet 187, MedGen C0175683, MONDO:0015991.

Allele frequency attached by ClinVar (database versions not stated): TOPMed 0.00022; ESP Exome Variant Server 0.00023; ExAC 0.00020; gnomAD 0.00035; 1000 Genomes Project 0.00100; 1000 Genomes Project 30x 0.00109.
gnomAD v4.1: 323 of 1,613,290 alleles (0.02%); highest among the groups gnomAD compares: Admixed American, 0.042%; no homozygotes.

Submissions (2):

Labcorp Genetics (formerly Invitae), Labcorp
Classification: Likely benign for Citrullinemia. Last evaluated: 2026-01-29. Review status: criteria provided, single submitter. Criteria: Invitae Variant Classification Sherloc (09022015). Collection method: clinical testing. Allele origin: germline.

GeneDx
Classification: Uncertain significance. Last evaluated: 2022-12-01. Review status: criteria provided, single submitter. Criteria: GeneDx Variant Classification Process June 2021. Collection method: clinical testing. Allele origin: germline. Affected: yes.
Comment: Has not been previously published as pathogenic or benign to our knowledge; In silico analysis, which includes protein predictors and evolutionary conservation, supports a deleterious effect

NM_054012.4(ASS1):c.322C>T (p.Arg108Trp)

Gene: ASS1 (argininosuccinate synthase 1; plus strand). Cytogenetic location: 9q34.11.
Variant type: single nucleotide variant.
Coding change: c.322C>T on transcript NM_054012.4 (MANE Select); coding-DNA position 322, C replaced by T.
Protein change: p.Arg108Trp; replaces arginine 108 with tryptophan.
Molecular consequence: missense variant.
Genome position (GRCh38, 1-based): chr9:130,458,548, C>T. VCF-style: chr9-130458548-C-T. GRCh37 (hg19) VCF-style: chr9-133333935-C-T.
Other names: c.322C>T, p.Arg108Trp (NM_000050.4); short protein forms R108W.
Identifiers: ClinVar variation 571686 (VCV000571686.12), dbSNP rs143405567, ClinGen allele CA5283224.
Genomic context (GRCh38, chr9:130,458,548, plus strand): 5'-CTCCTGGGCACCTCTCTTGCCAGGCCCTGCATCGCCCGCAAACAAGTGGAAATCGCCCAG[C>T]GGGAGGGGGCCAAGTATGTGTCCCACGGCGCCACAGGAAAGGTGAGGCACCTGGGAAGGG-3'
Protein context (NP_446464.1, residues 98-118): IARKQVEIAQ[Arg108Trp]EGAKYVSHGA